The following is an entry in ClinVar:

NM_017763.6(RNF43):c.648G>C (p.Ser216=)

Gene: RNF43 (ring finger protein 43; minus strand). Cytogenetic location: 17q22.
Variant type: single nucleotide variant.
Coding change: c.648G>C on transcript NM_017763.6 (MANE Select); coding-DNA position 648, G replaced by C.
Protein change: p.Ser216=; no amino-acid change (serine 216 retained).
Molecular consequence: synonymous variant.
Genome position (GRCh38, 1-based): chr17:58,362,583, C>G on the plus strand (G>C on the coding strand, the complement: RNF43 is on the minus strand). VCF-style: chr17-58362583-C-G. GRCh37 (hg19) VCF-style: chr17-56439944-C-G.
Other names: c.648G>C, p.Ser216= (NM_001305544.3); c.267G>C, p.Ser89= (NM_001305545.2).
Identifiers: ClinVar variation 1595989 (VCV001595989.10), dbSNP rs370069540, ClinGen allele CA501056468.

ClinVar aggregate classification (germline): Benign/Likely benign. Review status: criteria provided, multiple submitters, no conflicts (2 of 4 stars). 3 submissions from 3 submitters: Benign (1); Likely benign (2). Last evaluated 2026-06-30.

Conditions:
Sessile serrated polyposis cancer syndrome (SSPCS). Identifiers: Orphanet 157798, MedGen C4310714, MONDO:0014919, OMIM 617108.

gnomAD v4.1: 28 of 1,612,020 alleles (0.0017%); highest among the groups gnomAD compares: Non-Finnish European, 0.0024%; no homozygotes.

Submissions (3):

Myriad Genetics, Inc.
Classification: Benign for Sessile serrated polyposis cancer syndrome. Last evaluated: 2026-06-30. Review status: criteria provided, single submitter. Criteria: Myriad Autosomal Dominant, Autosomal Recessive and X-Linked Classification Criteria (2023). Collection method: clinical testing. Allele origin: unknown.
Comment: This variant is considered benign. This variant is a silent/synonymous amino acid change and it is not expected to impact splicing.

Ambry Genetics
Classification: Likely benign. Last evaluated: 2025-01-01. Review status: criteria provided, single submitter. Criteria: Ambry Variant Classification Scheme 2023. Collection method: clinical testing. Allele origin: germline.

Labcorp Genetics (formerly Invitae), Labcorp
Classification: Likely benign. Last evaluated: 2022-10-21. Review status: criteria provided, single submitter. Criteria: Invitae Variant Classification Sherloc (09022015). Collection method: clinical testing. Allele origin: germline.